The following is an entry in ClinVar:

NC_000017.11:g.63477060_63477062del

Gene: ACE (angiotensin I converting enzyme; plus strand). Cytogenetic location: 17q23.3.
Variant type: Deletion.
Genome position: GRCh38 VCF-style: chr17-63477057-CAGG-C. GRCh37 (hg19) VCF-style: chr17-61554418-CAGG-C.
Other names: c.-35_-33delGAG (NM_000789.3).
Identifiers: ClinVar variation 426545 (VCV000426545.4), dbSNP rs1085307676, ClinGen allele CA501176662.

ClinVar aggregate classification (germline): Uncertain significance (1 of 4 stars; one submission).

Submission:

GeneDx
Classification: Uncertain significance. Last evaluated: 2026-03-24. Review status: criteria provided, single submitter. Criteria: GeneDx Variant Classification Process June 2021. Collection method: clinical testing. Allele origin: germline. Affected: yes.
Comment: Located in a regulatory region; in the absence of functional studies, the actual effect of this sequence change is unknown; Has not been previously published as pathogenic or benign to our knowledge